The following is an entry in ClinVar:

NM_177438.3(DICER1):c.2366G>C (p.Arg789Thr)

Gene: DICER1 (dicer 1, ribonuclease III; minus strand). Cytogenetic location: 14q32.13.
Variant type: single nucleotide variant.
Coding change: c.2366G>C on transcript NM_177438.3 (MANE Select); coding-DNA position 2366, G replaced by C.
Protein change: p.Arg789Thr; replaces arginine 789 with threonine.
Molecular consequence: missense variant. On other transcripts: non-coding transcript variant (6).
Genome position (GRCh38, 1-based): chr14:95,108,394, C>G on the plus strand (G>C on the coding strand, the complement: DICER1 is on the minus strand). VCF-style: chr14-95108394-C-G. GRCh37 (hg19) VCF-style: chr14-95574731-C-G.
Other names: c.2366G>C, p.Arg789Thr (NM_001195573.1, NM_001271282.3, NM_001291628.2 and 13 more transcripts); c.2084G>C, p.Arg695Thr (NM_001395686.1); c.1961G>C, p.Arg654Thr (NM_001395687.1, NM_001395688.1, NM_001395689.1 and 2 more transcripts); c.1799G>C, p.Arg600Thr (NM_001395691.1); c.683G>C, p.Arg228Thr (NM_001395697.1); short protein forms R654T, R695T, R228T, R600T, R789T.
Identifiers: ClinVar variation 2855456 (VCV002855456.3), dbSNP rs1566777906, ClinGen allele CA390882196.

ClinVar aggregate classification (germline): Uncertain significance (1 of 4 stars; one submission).

Conditions:
DICER1-related tumor predisposition. Also called: DICER1-related pleuropulmonary blastoma cancer predisposition syndrome; DICER1 syndrome. Identifiers: Orphanet 284343, MedGen C3839822, MONDO:0100216.

Submission:

Labcorp Genetics (formerly Invitae), Labcorp
Classification: Uncertain significance for DICER1-related tumor predisposition. Last evaluated: 2024-11-24. Review status: criteria provided, single submitter. Criteria: Invitae Variant Classification Sherloc (09022015). Collection method: clinical testing. Allele origin: germline.
Comment: This sequence change replaces arginine, which is basic and polar, with threonine, which is neutral and polar, at codon 789 of the DICER1 protein (p.Arg789Thr). This variant is not present in population databases (gnomAD no frequency). This variant has not been reported in the literature in individuals affected with DICER1-related conditions. ClinVar contains an entry for this variant (Variation ID: 2855456). Invitae Evidence Modeling of protein sequence and biophysical properties (such as structural, functional, and spatial information, amino acid conservation, physicochemical variation, residue mobility, and thermodynamic stability) indicates that this missense variant is not expected to disrupt DICER1 protein function with a negative predictive value of 95%. In summary, the available evidence is currently insufficient to determine the role of this variant in disease. Therefore, it has been classified as a Variant of Uncertain Significance.